The following is an entry in ClinVar:

NM_003238.6(TGFB2):c.829A>G (p.Lys277Glu)

Gene: TGFB2 (transforming growth factor beta 2; plus strand). Cytogenetic location: 1q41.
Variant type: single nucleotide variant.
Coding change: c.829A>G on transcript NM_003238.6 (MANE Select); coding-DNA position 829, A replaced by G.
Protein change: p.Lys277Glu; replaces lysine 277 with glutamic acid.
Molecular consequence: missense variant.
Genome position (GRCh38, 1-based): chr1:218,436,044, A>G. VCF-style: chr1-218436044-A-G. GRCh37 (hg19) VCF-style: chr1-218609386-A-G.
Other names: c.913A>G, p.Lys305Glu (NM_001135599.4); short protein forms K277E, K305E.
Identifiers: ClinVar variation 1762789 (VCV001762789.2), dbSNP rs2464871915, ClinGen allele CA344727151.
Genomic context (GRCh38, chr1:218,436,044, plus strand): 5'-TCCACATATACCAGTGGTGATCAGAAAACTATAAAGTCCACTAGGAAAAAAAACAGTGGG[A>G]AGACCCCACATCTCCTGCTAATGTTATTGCCCTCCTACAGACTTGAGTCACAACAGACCA-3'
Protein context (NP_003229.1, residues 267-287): IKSTRKKNSG[Lys277Glu]TPHLLLMLLP

ClinVar aggregate classification (germline): Uncertain significance (1 of 4 stars; one submission).

Conditions:
Familial thoracic aortic aneurysm and aortic dissection (TAAD). Also called: Thoracic aortic aneurysms and dissections. Identifiers: Orphanet 91387, MedGen C4707243, MONDO:0019625.

Allele frequency attached by ClinVar (database versions not stated): gnomAD exomes below 0.00001.
gnomAD v4.1: 1 of 1,614,120 alleles (0.000062%); highest among the groups gnomAD compares: Non-Finnish European, 0.000085%; no homozygotes.

Submission:

Ambry Genetics
Classification: Uncertain significance for Familial thoracic aortic aneurysm and aortic dissection. Last evaluated: 2017-12-16. Review status: criteria provided, single submitter. Criteria: Ambry Variant Classification Scheme 2023. Collection method: clinical testing. Allele origin: germline.
Comment: The p.K277E variant (also known as c.829A>G), located in coding exon 5 of the TGFB2 gene, results from an A to G substitution at nucleotide position 829. The lysine at codon 277 is replaced by glutamic acid, an amino acid with similar properties. This amino acid position is well conserved in available vertebrate species. In addition, this alteration is predicted to be tolerated by in silico analysis. Since supporting evidence is limited at this time, the clinical significance of this alteration remains unclear.